The following is an entry in ClinVar:

NM_182895.5(SCARF2):c.1653C>T (p.Asp551=)

Gene: SCARF2 (scavenger receptor class F member 2; minus strand). Cytogenetic location: 22q11.21.
Variant type: single nucleotide variant.
Coding change: c.1653C>T on transcript NM_182895.5 (MANE Select); coding-DNA position 1653, C replaced by T.
Protein change: p.Asp551=; no amino-acid change (aspartic acid 551 retained).
Molecular consequence: synonymous variant.
Genome position (GRCh38, 1-based): chr22:20,427,438, G>A on the plus strand (C>T on the coding strand, the complement: SCARF2 is on the minus strand). VCF-style: chr22-20427438-G-A. GRCh37 (hg19) VCF-style: chr22-20781725-G-A.
Other names: c.1668C>T, p.Asp556= (NM_153334.7).
Identifiers: ClinVar variation 436647 (VCV000436647.15), dbSNP rs76472118, ClinGen allele CA10112306.
Genomic context (GRCh38, chr22:20,427,438, plus strand): 5'-CCAGGTAGGGCCTTACTTACCCTCATGGGGTACACAGTACACAGGGCCTTCATCAGTGGT[G>A]TCAAACGAGGAGAAGGAGGCCCGAGAGGACCAGGATGGTGAGGGCTGCTCCAGCCCTGAG-3'
Protein context (NP_878315.2, residues 541-561): WSSRASFSSF[Asp551=]TTDEGPVYCV

ClinVar aggregate classification (germline): Benign/Likely benign. Review status: criteria provided, multiple submitters, no conflicts (2 of 4 stars). 5 submissions from 5 submitters: Benign (3); Likely benign (2). Last evaluated 2026-01-12.

Conditions:
SCARF2-related disorder. Also called: SCARF2-related condition.

Allele frequency attached by ClinVar (database versions not stated): gnomAD exomes 0.00228 and 0.00413; ESP Exome Variant Server 0.00400; ExAC 0.00417; gnomAD 0.00426 and 0.00452; TOPMed 0.00510; 1000 Genomes Project 30x 0.00734; 1000 Genomes Project 0.00799.
gnomAD v4.1: 4,140 of 1,614,176 alleles (0.26%); highest among the groups gnomAD compares: South Asian, 1.7%; 51 homozygotes.

Submissions (5):

Labcorp Genetics (formerly Invitae), Labcorp
Classification: Benign. Last evaluated: 2026-01-12. Review status: criteria provided, single submitter. Criteria: Invitae Variant Classification Sherloc (09022015). Collection method: clinical testing. Allele origin: germline.

PreventionGenetics, part of Exact Sciences
Classification: Benign for SCARF2-related condition. Last evaluated: 2025-01-06. Review status: criteria provided, single submitter. Criteria: ACMG Guidelines, 2015. Collection method: clinical testing. Allele origin: germline.
Comment: This variant is classified as benign based on ACMG/AMP sequence variant interpretation guidelines (Richards et al. 2015 PMID: 25741868, with internal and published modifications).

GeneDx
Classification: Likely benign. Last evaluated: 2020-10-15. Review status: criteria provided, single submitter. Criteria: GeneDx Variant Classification Process June 2021. Collection method: clinical testing. Allele origin: germline. Affected: yes.

Genetic Services Laboratory, University of Chicago
Classification: Benign. Last evaluated: 2017-06-09. Review status: criteria provided, single submitter. Criteria: ACMG Guidelines, 2015. Collection method: clinical testing. Allele origin: germline. Affected: no.

Breakthrough Genomics
Classification: Likely benign. Review status: criteria provided, single submitter. Criteria: ACMG Guidelines, 2015. Collection method: not provided. Allele origin: germline. Inheritance: Autosomal recessive inheritance. Affected: yes.